The following is an entry in ClinVar:

ClinVar aggregate classification (germline): Likely benign (0 of 4 stars; one submission).

Conditions:
GLDN-related disorder. Also called: GLDN-related condition.

Allele frequency attached by ClinVar (database versions not stated): 1000 Genomes Project 30x 0.00047; 1000 Genomes Project 0.00060; TOPMed 0.00115; gnomAD 0.00119; ExAC 0.00132; ESP Exome Variant Server 0.00139.
gnomAD v4.1: 2,776 of 1,614,056 alleles (0.17%); highest among the groups gnomAD compares: Non-Finnish European, 0.21%; 8 homozygotes.

Submission:

PreventionGenetics, part of Exact Sciences
Classification: Likely benign for GLDN-related condition. Last evaluated: 2022-12-12. Review status: no assertion criteria provided. Collection method: clinical testing. Allele origin: germline.
Comment: This variant is classified as likely benign based on ACMG/AMP sequence variant interpretation guidelines (Richards et al. 2015 PMID: 25741868, with internal and published modifications).

NM_181789.4(GLDN):c.836C>G (p.Pro279Arg)

Gene: GLDN (gliomedin; plus strand). Cytogenetic location: 15q21.2.
Variant type: single nucleotide variant.
Coding change: c.836C>G on transcript NM_181789.4 (MANE Select); coding-DNA position 836, C replaced by G.
Protein change: p.Pro279Arg; replaces proline 279 with arginine.
Molecular consequence: missense variant.
Genome position (GRCh38, 1-based): chr15:51,400,210, C>G. VCF-style: chr15-51400210-C-G. GRCh37 (hg19) VCF-style: chr15-51692407-C-G.
Other names: c.464C>G, p.Pro155Arg (NM_001330297.2); short protein forms P155R, P279R.
Identifiers: ClinVar variation 3048618 (VCV003048618.2), dbSNP rs148539600, ClinGen allele CA7560571.